The following is an entry in ClinVar:

ClinVar aggregate classification (germline): Uncertain significance (1 of 4 stars; one submission).

Conditions:
Cardiovascular phenotype. Identifiers: MedGen CN230736.

Allele frequency attached by ClinVar (database versions not stated): gnomAD exomes below 0.00001.
gnomAD v4.1: 3 of 1,583,624 alleles (0.00019%); highest among the groups gnomAD compares: South Asian, 0.0035%; no homozygotes.

Submission:

Ambry Genetics
Classification: Uncertain significance for Cardiovascular phenotype. Last evaluated: 2023-06-22. Review status: criteria provided, single submitter. Criteria: Ambry Variant Classification Scheme 2023. Collection method: clinical testing. Allele origin: germline.
Comment: The p.T909I variant (also known as c.2726C>T), located in coding exon 5 of the TNXB gene, results from a C to T substitution at nucleotide position 2726. The threonine at codon 909 is replaced by isoleucine, an amino acid with similar properties. This amino acid position is conserved. In addition, this alteration is predicted to be tolerated by in silico analysis. Since supporting evidence is limited at this time, the clinical significance of this alteration remains unclear.

NM_001365276.2(TNXB):c.2726C>T (p.Thr909Ile)

Gene: TNXB (tenascin XB; minus strand). Cytogenetic location: 6p21.33.
Variant type: single nucleotide variant.
Coding change: c.2726C>T on transcript NM_001365276.2 (MANE Select); coding-DNA position 2726, C replaced by T.
Protein change: p.Thr909Ile; replaces threonine 909 with isoleucine.
Molecular consequence: missense variant.
Genome position (GRCh38, 1-based): chr6:32,088,838, G>A on the plus strand (C>T on the coding strand, the complement: TNXB is on the minus strand). VCF-style: chr6-32088838-G-A. GRCh37 (hg19) VCF-style: chr6-32056615-G-A.
Other names: c.2726C>T, p.Thr909Ile (NM_019105.8); short protein forms T909I.
Identifiers: ClinVar variation 2586111 (VCV002586111.2), dbSNP rs777338472, ClinGen allele CA3735426.